The following is an entry in ClinVar:

ClinVar aggregate classification (germline): Uncertain significance (1 of 4 stars; one submission).

Allele frequency attached by ClinVar (database versions not stated): gnomAD exomes 0.00001.
gnomAD v4.1: 4 of 1,613,962 alleles (0.00025%); highest among the groups gnomAD compares: Non-Finnish European, 0.00034%; no homozygotes.

Submission:

Labcorp Genetics (formerly Invitae), Labcorp
Classification: Uncertain significance. Last evaluated: 2022-07-25. Review status: criteria provided, single submitter. Criteria: Invitae Variant Classification Sherloc (09022015). Collection method: clinical testing. Allele origin: germline.
Comment: In summary, the available evidence is currently insufficient to determine the role of this variant in disease. Therefore, it has been classified as a Variant of Uncertain Significance. Algorithms developed to predict the effect of missense changes on protein structure and function (SIFT, PolyPhen-2, Align-GVGD) all suggest that this variant is likely to be disruptive. This variant has not been reported in the literature in individuals affected with EDNRA-related conditions. This variant is not present in population databases (gnomAD no frequency). This sequence change replaces asparagine, which is neutral and polar, with lysine, which is basic and polar, at codon 427 of the EDNRA protein (p.Asn427Lys).

NM_001957.4(EDNRA):c.1281C>A (p.Asn427Lys)

Gene: EDNRA (endothelin receptor type A; plus strand). Cytogenetic location: 4q31.23.
Variant type: single nucleotide variant.
Coding change: c.1281C>A on transcript NM_001957.4 (MANE Select); coding-DNA position 1281, C replaced by A.
Protein change: p.Asn427Lys; replaces asparagine 427 with lysine.
Molecular consequence: missense variant. On other transcripts: non-coding transcript variant (3).
Genome position (GRCh38, 1-based): chr4:147,542,615, C>A. VCF-style: chr4-147542615-C-A. GRCh37 (hg19) VCF-style: chr4-148463767-C-A.
Other names: c.954C>A, p.Asn318Lys (NM_001166055.2); short protein forms N318K, N427K.
Identifiers: ClinVar variation 2151179 (VCV002151179.4), dbSNP rs1731146195, ClinGen allele CA358423631.